The following is an entry in ClinVar:

NM_173560.4(RFX6):c.1568T>A (p.Leu523Ter)

Gene: RFX6 (regulatory factor X6; plus strand). Cytogenetic location: 6q22.1.
Variant type: single nucleotide variant.
Coding change: c.1568T>A on transcript NM_173560.4 (MANE Select); coding-DNA position 1568, T replaced by A.
Protein change: p.Leu523Ter; replaces leucine 523 with a stop codon.
Molecular consequence: nonsense.
Genome position (GRCh38, 1-based): chr6:116,924,681, T>A. VCF-style: chr6-116924681-T-A. GRCh37 (hg19) VCF-style: chr6-117245844-T-A.
Other names: short protein forms L523*.
Identifiers: ClinVar variation 3032504 (VCV003032504.2), dbSNP rs2481946427, ClinGen allele CA365434200.

ClinVar aggregate classification (germline): Likely pathogenic (0 of 4 stars; one submission).

Conditions:
RFX6-related disorder. Also called: RFX6-related condition.

Submission:

PreventionGenetics, part of Exact Sciences
Classification: Likely pathogenic for RFX6-related condition. Last evaluated: 2023-11-11. Review status: no assertion criteria provided. Collection method: clinical testing. Allele origin: germline.
Comment: The RFX6 c.1568T>A variant is predicted to result in premature protein termination (p.Leu523*). To our knowledge, this variant has not been reported in the literature or in a large population database, indicating this variant is rare. Nonsense variants in RFX6 are expected to be pathogenic. This variant is interpreted as likely pathogenic.